The following is an entry in ClinVar:

ClinVar aggregate classification (germline): Uncertain significance (1 of 4 stars; one submission).

Conditions:
Catecholaminergic polymorphic ventricular tachycardia 1. Also called: VENTRICULAR TACHYCARDIA, CATECHOLAMINERGIC POLYMORPHIC, 1, WITH OR WITHOUT ATRIAL DYSFUNCTION AND/OR DILATED CARDIOMYOPATHY; VENTRICULAR TACHYCARDIA, STRESS-INDUCED POLYMORPHIC 1; RYR2-Related Catecholaminergic Polymorphic Ventricular Tachycardia. Identifiers: Orphanet 3286, MedGen C1631597, MONDO:0011484, OMIM 604772.

Submission:

Labcorp Genetics (formerly Invitae), Labcorp
Classification: Uncertain significance for Catecholaminergic polymorphic ventricular tachycardia 1. Last evaluated: 2022-07-19. Review status: criteria provided, single submitter. Criteria: Invitae Variant Classification Sherloc (09022015). Collection method: clinical testing. Allele origin: germline.
Comment: This sequence change affects an acceptor splice site in intron 61 of the RYR2 gene. It is expected to disrupt RNA splicing. Variants that disrupt the donor or acceptor splice site typically lead to a loss of protein function (PMID: 16199547), however the current clinical and genetic evidence is not sufficient to establish whether loss-of-function variants in RYR2 cause disease. This variant is not present in population databases (gnomAD no frequency). This variant has not been reported in the literature in individuals affected with RYR2-related conditions. ClinVar contains an entry for this variant (Variation ID: 1492358). Algorithms developed to predict the effect of sequence changes on RNA splicing suggest that this variant may disrupt the consensus splice site. In summary, the available evidence is currently insufficient to determine the role of this variant in disease. Therefore, it has been classified as a Variant of Uncertain Significance.

Literature cited by the submitters: PubMed 16199547.

NM_001035.3(RYR2):c.8896-1G>A

Gene: RYR2 (ryanodine receptor 2; plus strand). Cytogenetic location: 1q43.
Variant type: single nucleotide variant.
Coding change: c.8896-1G>A on transcript NM_001035.3 (MANE Select); the canonical splice acceptor site of the intron before coding-DNA position 8896, G replaced by A.
Molecular consequence: splice acceptor variant.
Genome position (GRCh38, 1-based): chr1:237,680,455, G>A. VCF-style: chr1-237680455-G-A. GRCh37 (hg19) VCF-style: chr1-237843755-G-A.
Identifiers: ClinVar variation 1492358 (VCV001492358.7), dbSNP rs2148936331, ClinGen allele CA345404238.